The following is an entry in ClinVar:

ClinVar aggregate classification (germline): Uncertain significance (1 of 4 stars; one submission).

Conditions:
Hereditary cancer-predisposing syndrome. Also called: Neoplastic Syndromes, Hereditary; Tumor predisposition; Hereditary neoplastic syndrome; Hereditary Cancer Syndrome. Identifiers: Orphanet 140162, MedGen C0027672, MeSH D009386, MONDO:0015356.

Submission:

Ambry Genetics
Classification: Uncertain significance for Hereditary cancer-predisposing syndrome. Last evaluated: 2026-07-06. Review status: criteria provided, single submitter. Criteria: Ambry Variant Classification Scheme 2023. Collection method: clinical testing. Allele origin: germline.
Comment: The p.L206V variant (also known as c.616T>G), located in coding exon 7 of the RB1 gene, results from a T to G substitution at nucleotide position 616. The leucine at codon 206 is replaced by valine, an amino acid with highly similar properties. This amino acid position is conserved. In addition, this alteration is predicted to be tolerated by in silico analysis. Based on the available evidence, the clinical significance of this variant remains unclear.

NM_000321.3(RB1):c.616T>G (p.Leu206Val)

Gene: RB1 (RB transcriptional corepressor 1; plus strand). Cytogenetic location: 13q14.2.
Variant type: single nucleotide variant.
Coding change: c.616T>G on transcript NM_000321.3 (MANE Select); coding-DNA position 616, T replaced by G.
Protein change: p.Leu206Val; replaces leucine 206 with valine.
Molecular consequence: missense variant.
Genome position (GRCh38, 1-based): chr13:48,360,025, T>G. VCF-style: chr13-48360025-T-G. GRCh37 (hg19) VCF-style: chr13-48934161-T-G.
Other names: c.616T>G, p.Leu206Val (NM_001407165.1, NM_001407166.1); short protein forms L206V.
Identifiers: ClinVar variation 5027943 (VCV005027943.1).